The following is an entry in ClinVar:

NM_015202.5(KATNIP):c.4387G>A (p.Asp1463Asn)

Gene: KATNIP (katanin interacting protein; plus strand). Cytogenetic location: 16p12.1.
Variant type: single nucleotide variant.
Coding change: c.4387G>A on transcript NM_015202.5 (MANE Select); coding-DNA position 4387, G replaced by A.
Protein change: p.Asp1463Asn; replaces aspartic acid 1463 with asparagine.
Molecular consequence: missense variant.
Genome position (GRCh38, 1-based): chr16:27,775,022, G>A. VCF-style: chr16-27775022-G-A. GRCh37 (hg19) VCF-style: chr16-27786343-G-A.
Other names: c.4387G>A (NM_015202.3, NM_015202.2); short protein forms D1463N.
Identifiers: ClinVar variation 1682077 (VCV001682077.7), dbSNP rs146850516, ClinGen allele CA7978612.
Genomic context (GRCh38, chr16:27,775,022, plus strand): 5'-GACAGCGTGAACTCCCTGGAGGGTGTGGGCGGGGACGTCCGCACCCCAGACAAGCTCATC[G>A]ACCAAGTGAACGACACCAGTGATGGCCGGCACATGTGGCTGGCTCCCATCCTGCCGGGCC-3'
Protein context (NP_056017.4, residues 1453-1473): GDVRTPDKLI[Asp1463Asn]QVNDTSDGRH

ClinVar aggregate classification (germline): Uncertain significance. Review status: criteria provided, multiple submitters, no conflicts (2 of 4 stars). 4 submissions from 4 submitters: Uncertain significance (4). Last evaluated 2025-08-02.

Conditions:
KATNIP-related disorder. Also called: KATNIP-related condition.

Allele frequency attached by ClinVar (database versions not stated): ExAC 0.00006; gnomAD exomes 0.00009 and 0.00015; TOPMed 0.00033; gnomAD 0.00042 and 0.00043; ESP Exome Variant Server 0.00008.
gnomAD v4.1: 193 of 1,613,636 alleles (0.012%); highest among the groups gnomAD compares: Admixed American, 0.18%; no homozygotes.

Submissions (4):

Ambry Genetics
Classification: Uncertain significance. Last evaluated: 2025-08-02. Review status: criteria provided, single submitter. Criteria: Ambry Variant Classification Scheme 2023. Collection method: clinical testing. Allele origin: germline.

PreventionGenetics, part of Exact Sciences
Classification: Uncertain significance for KATNIP-related condition. Last evaluated: 2025-04-05. Review status: criteria provided, single submitter. Criteria: ACMG Guidelines, 2015. Collection method: clinical testing. Allele origin: germline.
Comment: The KATNIP c.4387G>A variant is predicted to result in the amino acid substitution p.Asp1463Asn. To our knowledge, this variant has not been reported in the literature. This variant is reported in 0.088% of alleles in individuals of Latino descent in gnomAD. Although we suspect that this variant may be benign, at this time, the clinical significance of this variant is uncertain due to the absence of conclusive functional and genetic evidence.

Labcorp Genetics (formerly Invitae), Labcorp
Classification: Uncertain significance. Last evaluated: 2023-12-22. Review status: criteria provided, single submitter. Criteria: Invitae Variant Classification Sherloc (09022015). Collection method: clinical testing. Allele origin: germline.
Comment: This sequence change replaces aspartic acid, which is acidic and polar, with asparagine, which is neutral and polar, at codon 1463 of the KIAA0556 protein (p.Asp1463Asn). This variant is present in population databases (rs146850516, gnomAD 0.08%). This variant has not been reported in the literature in individuals affected with KIAA0556-related conditions. ClinVar contains an entry for this variant (Variation ID: 1682077). An algorithm developed to predict the effect of missense changes on protein structure and function (PolyPhen-2) suggests that this variant is likely to be disruptive. In summary, the available evidence is currently insufficient to determine the role of this variant in disease. Therefore, it has been classified as a Variant of Uncertain Significance.

Women's Health and Genetics/Laboratory Corporation of America, LabCorp
Classification: Uncertain significance. Last evaluated: 2023-08-30. Review status: criteria provided, single submitter. Criteria: LabCorp Variant Classification Summary - May 2015. Collection method: clinical testing. Allele origin: germline.
Comment: Variant summary: KIAA0556/KATNIP c.4387G>A (p.Asp1463Asn) results in a conservative amino acid change located in the KATNIP domain (IPR027859) of the encoded protein sequence. Three of five in-silico tools predict a benign effect of the variant on protein function. The variant allele was found at a frequency of 0.00015 in 250796 control chromosomes (gnomAD). To our knowledge, no occurrence of c.4387G>A in individuals affected with Joubert Syndrome 26 and no experimental evidence demonstrating its impact on protein function have been reported. One ClinVar submitter has assessed the variant since 2014, and classified the variant as uncertain significance. Based on the evidence outlined above, the variant was classified as uncertain significance.